The following is an entry in ClinVar:

ClinVar aggregate classification (germline): Likely benign (1 of 4 stars; one submission).

Allele frequency attached by ClinVar (database versions not stated): gnomAD exomes 0.00081; 1000 Genomes Project 30x 0.00843; gnomAD 0.00878; 1000 Genomes Project 0.00879; TOPMed 0.00948.
gnomAD v4.1: 2,261 of 1,301,380 alleles (0.17%); highest among the groups gnomAD compares: African/African-American, 3.1%; 33 homozygotes.

Submission:

GeneDx
Classification: Likely benign. Last evaluated: 2020-04-28. Review status: criteria provided, single submitter. Criteria: GeneDx Variant Classification Process June 2021. Collection method: clinical testing. Allele origin: germline. Affected: yes.
Comment: See Variant Classification Assertion Criteria.

NM_016122.3(CEP83):c.801+95C>A

Gene: CEP83 (centrosomal protein 83; minus strand). Cytogenetic location: 12q22.
Variant type: single nucleotide variant.
Coding change: c.801+95C>A on transcript NM_016122.3 (MANE Select); 95 bases into the intron after coding-DNA position 801, C replaced by A.
Molecular consequence: intron variant.
Genome position (GRCh38, 1-based): chr12:94,378,696, G>T on the plus strand (C>A on the coding strand, the complement: CEP83 is on the minus strand). VCF-style: chr12-94378696-G-T. GRCh37 (hg19) VCF-style: chr12-94772472-G-T.
Other names: c.801+95C>A (NM_001346457.2, NM_001042399.2, NM_001368038.1 and 3 more transcripts); c.489+95C>A (NM_001346459.2, NM_001346458.2, NM_001368040.1 and 2 more transcripts); c.576+95C>A (NM_001368041.1); c.264+95C>A (NM_001368042.1).
Identifiers: ClinVar variation 1706793 (VCV001706793.2), dbSNP rs78888616, ClinGen allele CA242063174.